The following is an entry in ClinVar:

NM_000350.3(ABCA4):c.3051-19C>G

Gene: ABCA4 (ATP binding cassette subfamily A member 4; minus strand). Cytogenetic location: 1p22.1.
Variant type: single nucleotide variant.
Coding change: c.3051-19C>G on transcript NM_000350.3 (MANE Select); 19 bases into the intron before coding-DNA position 3051, C replaced by G.
Molecular consequence: intron variant.
Genome position (GRCh38, 1-based): chr1:94,043,494, G>C on the plus strand (C>G on the coding strand, the complement: ABCA4 is on the minus strand). VCF-style: chr1-94043494-G-C. GRCh37 (hg19) VCF-style: chr1-94509050-G-C.
Identifiers: ClinVar variation 866615 (VCV000866615.11), dbSNP rs375804885, ClinGen allele CA958058.

ClinVar aggregate classification (germline): Likely benign. Review status: criteria provided, multiple submitters, no conflicts (2 of 4 stars). 3 submissions from 3 submitters: Likely benign (3). Last evaluated 2025-09-16.

Conditions:
ABCA4-related disorder. Also called: ABCA4-related condition; ABCA4-related disorders. Identifiers: MedGen CN239167.

Allele frequency attached by ClinVar (database versions not stated): ESP Exome Variant Server 0.00015; 1000 Genomes Project 30x 0.00016; TOPMed 0.00018; 1000 Genomes Project 0.00020.
gnomAD v4.1: 38 of 1,614,020 alleles (0.0024%); highest among the groups gnomAD compares: African/African-American, 0.047%; no homozygotes.

Submissions (3):

Labcorp Genetics (formerly Invitae), Labcorp
Classification: Likely benign. Last evaluated: 2025-09-16. Review status: criteria provided, single submitter. Criteria: Invitae Variant Classification Sherloc (09022015). Collection method: clinical testing. Allele origin: germline.

PreventionGenetics, part of Exact Sciences
Classification: Likely benign for ABCA4-related condition. Last evaluated: 2025-05-15. Review status: criteria provided, single submitter. Criteria: ACMG Guidelines, 2015. Collection method: clinical testing. Allele origin: germline.
Comment: This variant is classified as likely benign based on ACMG/AMP sequence variant interpretation guidelines (Richards et al. 2015 PMID: 25741868, with internal and published modifications).

Blueprint Genetics
Classification: Likely benign. Last evaluated: 2022-03-01. Review status: criteria provided, single submitter. Criteria: ACMG Guidelines, 2015. Collection method: clinical testing. Allele origin: germline.